The following is an entry in ClinVar:

NM_024514.5(CYP2R1):c.247G>C (p.Gly83Arg)

Genes: CYP2R1 (cytochrome P450 family 2 subfamily R member 1; minus strand), PDE3B (phosphodiesterase 3B; plus strand). Cytogenetic location: 11p15.2.
Variant type: single nucleotide variant.
Coding change: c.247G>C on transcript NM_024514.5 (MANE Select); coding-DNA position 247, G replaced by C.
Protein change: p.Gly83Arg; replaces glycine 83 with arginine.
Molecular consequence: missense variant. On other transcripts: 5 prime UTR variant (13), non-coding transcript variant (16), intron variant (2).
Genome position (GRCh38, 1-based): chr11:14,885,896, C>G on the plus strand (G>C on the coding strand, the complement: CYP2R1 is on the minus strand). VCF-style: chr11-14885896-C-G. GRCh37 (hg19) VCF-style: chr11-14907442-C-G.
Other names: c.-99G>C (NM_001377214.1, NM_001377215.1, NM_001377216.1 and 6 more transcripts); c.85G>C, p.Gly29Arg (NM_001377217.1); c.-44G>C (NM_001400562.1, NM_001400563.1, NM_001400564.1 and 1 more transcripts); c.103G>C, p.Gly35Arg (NM_001400567.1); c.202G>C, p.Gly68Arg (NM_001400568.1); c.2887-13049C>G (NM_001429700.1); c.2887-13060C>G (NM_001429699.1); short protein forms G29R, G35R, G68R, G83R.
Identifiers: ClinVar variation 4976073 (VCV004976073.1).

ClinVar aggregate classification (germline): Uncertain significance (1 of 4 stars; one submission).

Submission:

GeneDx
Classification: Uncertain significance. Last evaluated: 2026-02-17. Review status: criteria provided, single submitter. Criteria: GeneDx Variant Classification Process June 2021. Collection method: clinical testing. Allele origin: germline.
Comment: Not observed at significant frequency in large population cohorts (gnomAD); In silico analysis suggests that this missense variant does not alter protein structure/function; Has not been previously published as pathogenic or benign to our knowledge